The following is an entry in ClinVar:

ClinVar aggregate classification (germline): Pathogenic (1 of 4 stars; one submission).

Conditions:
Autosomal recessive spinocerebellar ataxia 12. Also called: SPINOCEREBELLAR ATAXIA WITH MENTAL RETARDATION AND EPILEPSY. Identifiers: Orphanet 284282, MedGen C3280452, MONDO:0013687, OMIM 614322.
Developmental and epileptic encephalopathy, 1 (DEE1). Also called: Epileptic encephalopathy, early infantile, 1; INFANTILE SPASM SYNDROME, X-LINKED 1; X-linked infantile spasms; West's syndrome; Tonic spasms with clustering, arrest of psychomotor development and hypsarrhythmia on EEG; X-Linked Infantile Spasm Syndrome. Identifiers: MedGen C3463992, MONDO:0010632, OMIM 308350. Disease mechanism: loss of function.

Submission:

Labcorp Genetics (formerly Invitae), Labcorp
Classification: Pathogenic for Developmental and epileptic encephalopathy, 1; Autosomal recessive spinocerebellar ataxia 12. Last evaluated: 2022-10-17. Review status: criteria provided, single submitter. Criteria: Invitae Variant Classification Sherloc (09022015). Collection method: clinical testing. Allele origin: germline.
Comment: This variant is a gross deletion of the genomic region encompassing exon(s) 6-7 of the WWOX gene. This deletion is out-of-frame, and is expected to create a premature termination codon and result in an absent or disrupted protein product. Loss-of-function variants in WWOX are known to be pathogenic (PMID: 24456803, 25411445). A similar copy number variant has been observed in individual(s) with WWOX-related conditions (PMID: 30356099). For these reasons, this variant has been classified as Pathogenic.

Literature cited by the submitters: PubMed 24456803; PubMed 25411445; PubMed 30356099.

NC_000016.9:g.(?_78420737)_(78458972_?)del

Gene: WWOX (WW domain containing oxidoreductase; plus strand). Cytogenetic location: 16q23.1.
Variant type: Deletion.
Identifiers: ClinVar variation 2426303 (VCV002426303.5).